The following is an entry in ClinVar:

ClinVar aggregate classification (germline): Conflicting classifications of pathogenicity. Review status: criteria provided, conflicting classifications (1 of 4 stars). 6 submissions from 6 submitters: Uncertain significance (2); Likely benign (3). 1 of the submissions does not count toward it. Last evaluated 2025-12-28.

Conditions:
Inborn genetic diseases. Identifiers: MedGen C0950123, MeSH D030342.
ADGRV1-related disorder. Also called: ADGRV1-related disorders; ADGRV1-related condition.

Allele frequency attached by ClinVar (database versions not stated): gnomAD exomes 0.00007 and 0.00038; ESP Exome Variant Server 0.00008; gnomAD 0.00008 and 0.00009; TOPMed 0.00020; ExAC 0.00032; 1000 Genomes Project 0.00060; 1000 Genomes Project 30x 0.00062.
gnomAD v4.1: 123 of 1,613,816 alleles (0.0076%); highest among the groups gnomAD compares: Admixed American, 0.17%; no homozygotes.

Submissions (6):

Labcorp Genetics (formerly Invitae), Labcorp
Classification: Likely benign. Last evaluated: 2025-12-28. Review status: criteria provided, single submitter. Criteria: Invitae Variant Classification Sherloc (09022015). Collection method: clinical testing. Allele origin: germline.

Blueprint Genetics
Classification: Likely benign. Last evaluated: 2024-10-23. Review status: criteria provided, single submitter. Criteria: ACMG Guidelines, 2015. Collection method: clinical testing. Allele origin: germline.

Ambry Genetics
Classification: Uncertain significance for Inborn genetic diseases. Last evaluated: 2021-09-16. Review status: criteria provided, single submitter. Criteria: Ambry Variant Classification Scheme 2023. Collection method: clinical testing. Allele origin: germline.

GeneDx
Classification: Likely benign. Last evaluated: 2021-03-02. Review status: criteria provided, single submitter. Criteria: GeneDx Variant Classification Process June 2021. Collection method: clinical testing. Allele origin: germline. Affected: yes.

Athena Diagnostics
Classification: Uncertain significance. Last evaluated: 2018-10-17. Review status: criteria provided, single submitter. Criteria: Athena Diagnostics Criteria. Collection method: clinical testing. Allele origin: germline.

PreventionGenetics, part of Exact Sciences
Classification: Likely benign for ADGRV1-related condition. Last evaluated: 2023-08-14. Review status: no assertion criteria provided. Collection method: clinical testing. Allele origin: germline. Not counted in ClinVar's aggregate classification.
Comment: This variant is classified as likely benign based on ACMG/AMP sequence variant interpretation guidelines (Richards et al. 2015 PMID: 25741868, with internal and published modifications).

NM_032119.4(ADGRV1):c.15113T>C (p.Ile5038Thr)

Gene: ADGRV1 (adhesion G protein-coupled receptor V1; plus strand). Cytogenetic location: 5q14.3.
Variant type: single nucleotide variant.
Coding change: c.15113T>C on transcript NM_032119.4 (MANE Select); coding-DNA position 15113, T replaced by C.
Protein change: p.Ile5038Thr; replaces isoleucine 5038 with threonine.
Molecular consequence: missense variant. On other transcripts: non-coding transcript variant (1).
Genome position (GRCh38, 1-based): chr5:90,810,373, T>C. VCF-style: chr5-90810373-T-C. GRCh37 (hg19) VCF-style: chr5-90106190-T-C.
Other names: short protein forms I5038T.
Identifiers: ClinVar variation 722241 (VCV000722241.19), dbSNP rs192561791, ClinGen allele CA3341871.